The following is an entry in ClinVar:

NM_017934.7(PHIP):c.4285C>G (p.Leu1429Val)

Genes: IRAK1BP1 (interleukin 1 receptor associated kinase 1 binding protein 1; plus strand), PHIP (PHIP subunit of CUL4-Ring ligase complex; minus strand). Cytogenetic location: 6q14.1.
Variant type: single nucleotide variant.
Coding change: c.4285C>G on transcript NM_017934.7 (MANE Select); coding-DNA position 4285, C replaced by G.
Protein change: p.Leu1429Val; replaces leucine 1429 with valine.
Molecular consequence: missense variant.
Genome position (GRCh38, 1-based): chr6:78,946,796, G>C on the plus strand (C>G on the coding strand, the complement: PHIP is on the minus strand). VCF-style: chr6-78946796-G-C. GRCh37 (hg19) VCF-style: chr6-79656513-G-C.
Other names: c.4285C>G (NM_017934.6, NM_017934.5); short protein forms L1429V.
Identifiers: ClinVar variation 3233696 (VCV003233696.4), dbSNP rs768363637, ClinGen allele CA3899478.
Genomic context (GRCh38, chr6:78,946,796, plus strand): 5'-AGCTGCTTCTGTTTCTTTTCTTCCTCCTTTTGGTTATGGTATTTCTTTTATGAAAACGAA[G>C]AGCAGATTTATAATCTGATAAAACTGAACTAATGTGTTCTTCAAAGAAAGCAGACAGGCG-3'
Protein context (NP_060404.4, residues 1419-1439): SSVLSDYKSA[Leu1429Val]RFHKRNTITK

ClinVar aggregate classification (germline): Uncertain significance. Review status: criteria provided, multiple submitters, no conflicts (2 of 4 stars). 3 submissions from 3 submitters: Uncertain significance (2). 1 of the submissions does not count toward it. Last evaluated 2024-05-20.

Conditions:
PHIP-related disorder. Also called: PHIP-related condition; PHIP-related disorders.

Allele frequency attached by ClinVar (database versions not stated): gnomAD exomes below 0.00001; ExAC 0.00001.
gnomAD v4.1: 2 of 1,591,784 alleles (0.00013%); highest among the groups gnomAD compares: South Asian, 0.0011%; no homozygotes.

Submissions (3):

GeneDx
Classification: Uncertain significance. Last evaluated: 2024-05-20. Review status: criteria provided, single submitter. Criteria: GeneDx Variant Classification Process June 2021. Collection method: clinical testing. Allele origin: germline. Affected: yes.
Comment: In silico analysis indicates that this missense variant does not alter protein structure/function; Has not been previously published as pathogenic or benign to our knowledge

Women's Health and Genetics/Laboratory Corporation of America, LabCorp
Classification: Uncertain significance. Last evaluated: 2024-03-01. Review status: criteria provided, single submitter. Criteria: LabCorp Variant Classification Summary - May 2015. Collection method: clinical testing. Allele origin: germline.
Comment: Variant summary: PHIP c.4285C>G (p.Leu1429Val) results in a conservative amino acid change in the encoded protein sequence. Four of five in-silico tools predict a benign effect of the variant on protein function. The variant allele was found at a frequency of 4.3e-06 in 232690 control chromosomes (gnomAD). The available data on variant occurrences in the general population are insufficient to allow any conclusion about variant significance. To our knowledge, no occurrence of c.4285C>G in individuals affected with Developmental Delay, Intellectual Disability, Obesity, And Dysmorphic Features and no experimental evidence demonstrating its impact on protein function have been reported. No submitters have cited clinical-significance assessments for this variant to ClinVar. Based on the evidence outlined above, the variant was classified as uncertain significance.

PreventionGenetics, part of Exact Sciences
Classification: Uncertain significance for PHIP-related condition. Last evaluated: 2024-08-06. Review status: no assertion criteria provided. Collection method: clinical testing. Allele origin: germline. Not counted in ClinVar's aggregate classification.
Comment: The PHIP c.4285C>G variant is predicted to result in the amino acid substitution p.Leu1429Val. To our knowledge, this variant has not been reported in the literature. This variant is reported in 0.0037% of alleles in individuals of South Asian descent in gnomAD. At this time, the clinical significance of this variant is uncertain due to the absence of conclusive functional and genetic evidence.